The following is an entry in ClinVar:

NM_144988.4(ALG14):c.530G>T (p.Arg177Leu)

Gene: ALG14 (ALG14 UDP-N-acetylglucosaminyltransferase subunit; minus strand). Cytogenetic location: 1p21.3.
Variant type: single nucleotide variant.
Coding change: c.530G>T on transcript NM_144988.4 (MANE Select); coding-DNA position 530, G replaced by T.
Protein change: p.Arg177Leu; replaces arginine 177 with leucine.
Molecular consequence: missense variant. On other transcripts: 3 prime UTR variant (1), non-coding transcript variant (1).
Genome position (GRCh38, 1-based): chr1:94,983,197, C>A on the plus strand (G>T on the coding strand, the complement: ALG14 is on the minus strand). VCF-style: chr1-94983197-C-A. GRCh37 (hg19) VCF-style: chr1-95448753-C-A.
Other names: c.*99G>T (NM_001305242.2); short protein forms R177L.
Identifiers: ClinVar variation 2208747 (VCV002208747.2), dbSNP rs776109748, ClinGen allele CA27220449.

ClinVar aggregate classification (germline): Uncertain significance (1 of 4 stars; one submission).

Conditions:
Inborn genetic diseases. Identifiers: MedGen C0950123, MeSH D030342.

gnomAD v4.1: 8 of 1,614,082 alleles (0.0005%); highest among the groups gnomAD compares: Admixed American, 0.0017%; no homozygotes.

Submission:

Ambry Genetics
Classification: Uncertain significance for Inborn genetic diseases. Last evaluated: 2021-11-15. Review status: criteria provided, single submitter. Criteria: Ambry Variant Classification Scheme 2023. Collection method: clinical testing. Allele origin: germline.
Comment: The c.530G>T (p.R177L) alteration is located in exon 4 (coding exon 4) of the ALG14 gene. This alteration results from a G to T substitution at nucleotide position 530, causing the arginine (R) at amino acid position 177 to be replaced by a leucine (L). This variant was not reported in population-based cohorts in the Genome Aggregation Database (gnomAD). This amino acid position is highly conserved in available vertebrate species. The in silico prediction for this alteration is inconclusive. Based on insufficient or conflicting evidence, the clinical significance of this alteration remains unclear.